The following is an entry in ClinVar:

NM_001206927.2(DNAH8):c.11176G>C (p.Gly3726Arg)

Genes: DNAH8 (dynein axonemal heavy chain 8; plus strand), DNAH8-AS1 (DNAH8 antisense RNA 1; minus strand). Cytogenetic location: 6p21.2.
Variant type: single nucleotide variant.
Coding change: c.11176G>C on transcript NM_001206927.2 (MANE Select); coding-DNA position 11176, G replaced by C.
Protein change: p.Gly3726Arg; replaces glycine 3726 with arginine.
Molecular consequence: missense variant.
Genome position (GRCh38, 1-based): chr6:38,929,568, G>C. VCF-style: chr6-38929568-G-C. GRCh37 (hg19) VCF-style: chr6-38897344-G-C.
Other names: c.10525G>C, p.Gly3509Arg (NM_001371.4); short protein forms G3726R, G3509R.
Identifiers: ClinVar variation 661239 (VCV000661239.9), dbSNP rs373404358, ClinGen allele CA3790946.

ClinVar aggregate classification (germline): Uncertain significance. Review status: criteria provided, multiple submitters, no conflicts (2 of 4 stars). 2 submissions from 2 submitters: Uncertain significance (2). Last evaluated 2025-09-22.

Conditions:
Primary ciliary dyskinesia. Also called: Ciliary dyskinesia. Identifiers: Orphanet 244, MedGen C0008780, MONDO:0016575, HP:0012265.

Allele frequency attached by ClinVar (database versions not stated): TOPMed below 0.00001; ExAC 0.00001; gnomAD 0.00001; ESP Exome Variant Server 0.00008.
gnomAD v4.1: 3 of 1,612,416 alleles (0.00019%); highest among the groups gnomAD compares: Non-Finnish European, 0.00025%; no homozygotes.

Submissions (2):

Ambry Genetics
Classification: Uncertain significance. Last evaluated: 2025-09-22. Review status: criteria provided, single submitter. Criteria: Ambry Variant Classification Scheme 2023. Collection method: clinical testing. Allele origin: germline.

Labcorp Genetics (formerly Invitae), Labcorp
Classification: Uncertain significance for Primary ciliary dyskinesia. Last evaluated: 2018-11-28. Review status: criteria provided, single submitter. Criteria: Invitae Variant Classification Sherloc (09022015). Collection method: clinical testing. Allele origin: germline.
Comment: This sequence change replaces glycine with arginine at codon 3726 of the DNAH8 protein (p.Gly3726Arg). The glycine residue is highly conserved and there is a moderate physicochemical difference between glycine and arginine. In summary, the available evidence is currently insufficient to determine the role of this variant in disease. Therefore, it has been classified as a Variant of Uncertain Significance. Algorithms developed to predict the effect of missense changes on protein structure and function are either unavailable or do not agree on the potential impact of this missense change (SIFT: "Deleterious"; PolyPhen-2: "not available"; Align-GVGD: "Class C65"). This variant has not been reported in the literature in individuals with DNAH8-related conditions. This variant is present in population databases (rs373404358, ExAC 0.001%).